The following is an entry in ClinVar:

NM_020884.7(MYH7B):c.2414G>A (p.Arg805His)

Gene: MYH7B (myosin heavy chain 7B; plus strand). Cytogenetic location: 20q11.22.
Variant type: single nucleotide variant.
Coding change: c.2414G>A on transcript NM_020884.7 (MANE Select); coding-DNA position 2414, G replaced by A.
Protein change: p.Arg805His; replaces arginine 805 with histidine.
Molecular consequence: missense variant.
Genome position (GRCh38, 1-based): chr20:34,993,440, G>A. VCF-style: chr20-34993440-G-A. GRCh37 (hg19) VCF-style: chr20-33581243-G-A.
Other names: short protein forms R805H.
Identifiers: ClinVar variation 2765399 (VCV002765399.3), dbSNP rs370987120, ClinGen allele CA9827365.
Genomic context (GRCh38, chr20:34,993,440, plus strand): 5'-ACCAGCGCCTGGCCAAGGTGCTGACGCTGCTGCAGGCGCGGAGCCGTGGCCGCCTCATGC[G>A]CCTTGAGTACCAGCGCCTGCTGGGAGGCAGGTGGGTGTGGGAAGGAGGCTGGGGACAGGG-3'
Protein context (NP_065935.4, residues 795-815): LQARSRGRLM[Arg805His]LEYQRLLGGR

ClinVar aggregate classification (germline): Uncertain significance (1 of 4 stars; one submission).

Allele frequency attached by ClinVar (database versions not stated): gnomAD 0.00001; TOPMed 0.00002; ExAC 0.00006; ESP Exome Variant Server 0.00008; 1000 Genomes Project 30x 0.00031.
gnomAD v4.1: 29 of 1,609,696 alleles (0.0018%); highest among the groups gnomAD compares: East Asian, 0.0067%; no homozygotes.

Submission:

Labcorp Genetics (formerly Invitae), Labcorp
Classification: Uncertain significance. Last evaluated: 2023-08-19. Review status: criteria provided, single submitter. Criteria: Invitae Variant Classification Sherloc (09022015). Collection method: clinical testing. Allele origin: germline.
Comment: This variant is present in population databases (rs370987120, gnomAD 0.007%). This sequence change replaces arginine, which is basic and polar, with histidine, which is basic and polar, at codon 847 of the MYH7B protein (p.Arg847His). This variant has not been reported in the literature in individuals affected with MYH7B-related conditions. Advanced modeling of protein sequence and biophysical properties (such as structural, functional, and spatial information, amino acid conservation, physicochemical variation, residue mobility, and thermodynamic stability) has been performed at Invitae for this missense variant, however the output from this modeling did not meet the statistical confidence thresholds required to predict the impact of this variant on MYH7B protein function. In summary, the available evidence is currently insufficient to determine the role of this variant in disease. Therefore, it has been classified as a Variant of Uncertain Significance.